The following is an entry in ClinVar:

NM_014425.5(INVS):c.3121_3125dup (p.Asn1042fs)

Gene: INVS (inversin; plus strand). Cytogenetic location: 9q31.1.
Variant type: Duplication.
Coding change: c.3121_3125dup on transcript NM_014425.5 (MANE Select); coding-DNA positions 3121 to 3125, 5 bases duplicated (GAGAA; older notation c.3121_3125dupGAGAA).
Protein change: p.Asn1042fs; shifts the reading frame from asparagine 1042.
Molecular consequence: frameshift variant. On other transcripts: non-coding transcript variant (1).
Genome position (GRCh38, 1-based): chr9:100,300,597-100,300,601, GAGAA duplicated. VCF-style (leftmost placement, unchanged base first): chr9-100300596-T-TGAGAA. GRCh37 (hg19) VCF-style: chr9-103062878-T-TGAGAA.
Other names: c.2833_2837dup, p.Asn946fs (NM_001318381.2); c.2143_2147dup, p.Asn716fs (NM_001318382.2); short protein forms N1042fs, N716fs, N946fs.
Identifiers: ClinVar variation 3350130 (VCV003350130.1).

ClinVar aggregate classification (germline): Uncertain significance (0 of 4 stars; one submission).

Conditions:
INVS-related disorder. Also called: INVS-related condition.

Submission:

PreventionGenetics, part of Exact Sciences
Classification: Uncertain significance for INVS-related condition. Last evaluated: 2024-03-25. Review status: no assertion criteria provided. Collection method: clinical testing. Allele origin: germline.
Comment: The INVS c.3121_3125dup5 variant is predicted to result in a frameshift and premature protein termination (p.Asn1042Lysfs*66). This variant is located in the last exon of INVS and is not predicted to undergo nonsense mediated decay, however it is expected to disrupt the last 24 amino acids and extend the resultant Inversin protein. A similar variant (p.Asn1042Thrfs*64), along with a truncating INVS variant (p.A473Qfs*37), has been reported in the heterozygous state in an individual with end-stage renal disease, although phase was not confirmed (Table 2, Halbritter J et al. 2013. PubMed ID: 23559409). This variant has not been reported in a large population database, indicating this variant is rare. Although we suspect that this variant may be pathogenic, at this time, the clinical significance of this variant is uncertain due to the absence of conclusive functional and genetic evidence.